The following is an entry in ClinVar:

ClinVar aggregate classification (germline): Uncertain significance. Review status: criteria provided, multiple submitters, no conflicts (2 of 4 stars). 2 submissions from 2 submitters: Uncertain significance (2). Last evaluated 2024-04-01.

Conditions:
Inborn genetic diseases. Identifiers: MedGen C0950123, MeSH D030342.
Hyperammonemia, type III (NAGSD). Also called: Hyperammonemia due to N-acetylglutamate synthase deficiency. Identifiers: Orphanet 927, MedGen C0268543, MONDO:0009377, OMIM 237310.

Allele frequency attached by ClinVar (database versions not stated): TOPMed below 0.00001; gnomAD 0.00001; gnomAD exomes 0.00001; ExAC 0.00004.
gnomAD v4.1: 6 of 1,600,666 alleles (0.00037%); highest among the groups gnomAD compares: Admixed American, 0.0017%; no homozygotes.

Submissions (2):

Ambry Genetics
Classification: Uncertain significance for Inborn genetic diseases. Last evaluated: 2024-04-01. Review status: criteria provided, single submitter. Criteria: Ambry Variant Classification Scheme 2023. Collection method: clinical testing. Allele origin: germline.

Labcorp Genetics (formerly Invitae), Labcorp
Classification: Uncertain significance for Hyperammonemia, type III. Last evaluated: 2022-03-18. Review status: criteria provided, single submitter. Criteria: Invitae Variant Classification Sherloc (09022015). Collection method: clinical testing. Allele origin: germline.
Comment: This sequence change replaces glycine, which is neutral and non-polar, with aspartic acid, which is acidic and polar, at codon 237 of the NAGS protein (p.Gly237Asp). The frequency data for this variant in the population databases is considered unreliable, as metrics indicate poor data quality at this position in the gnomAD database. This variant has not been reported in the literature in individuals affected with NAGS-related conditions. Algorithms developed to predict the effect of missense changes on protein structure and function are either unavailable or do not agree on the potential impact of this missense change (SIFT: "Tolerated"; PolyPhen-2: "Possibly Damaging"; Align-GVGD: "Class C0"). In summary, the available evidence is currently insufficient to determine the role of this variant in disease. Therefore, it has been classified as a Variant of Uncertain Significance.

NM_153006.3(NAGS):c.710G>A (p.Gly237Asp)

Gene: NAGS (N-acetylglutamate synthase; plus strand). Cytogenetic location: 17q21.31.
Variant type: single nucleotide variant.
Coding change: c.710G>A on transcript NM_153006.3 (MANE Select); coding-DNA position 710, G replaced by A.
Protein change: p.Gly237Asp; replaces glycine 237 with aspartic acid.
Molecular consequence: missense variant.
Genome position (GRCh38, 1-based): chr17:44,006,032, G>A. VCF-style: chr17-44006032-G-A. GRCh37 (hg19) VCF-style: chr17-42083400-G-A.
Other names: c.710G>A (NM_153006.2); short protein forms G237D.
Identifiers: ClinVar variation 2163835 (VCV002163835.2), dbSNP rs763270017, ClinGen allele CA8595207.
Genomic context (GRCh38, chr17:44,006,032, plus strand): 5'-CCGTCCGGCAGGCCTGGAGGGGGCCCTCTCGAGCACCACGTCTGGCCCACAGCTACGGCG[G>A]CATCGTCTCGGTGGAGACAGACCTGCTGCAGTGGTGCCTGGAGTCGGGCAGCATCCCCAT-3'
Protein context (NP_694551.1, residues 227-247): AEPAPHASYG[Gly237Asp]IVSVETDLLQ